The following is an entry in ClinVar:

NM_015692.5(CPAMD8):c.2436C>T (p.Pro812=)

Gene: CPAMD8 (C3 and PZP like alpha-2-macroglobulin domain containing 8; minus strand). Cytogenetic location: 19p13.11.
Variant type: single nucleotide variant.
Coding change: c.2436C>T on transcript NM_015692.5 (MANE Select); coding-DNA position 2436, C replaced by T.
Protein change: p.Pro812=; no amino-acid change (proline 812 retained).
Molecular consequence: synonymous variant.
Genome position (GRCh38, 1-based): chr19:16,952,041, G>A on the plus strand (C>T on the coding strand, the complement: CPAMD8 is on the minus strand). VCF-style: chr19-16952041-G-A. GRCh37 (hg19) VCF-style: chr19-17062851-G-A.
Other names: c.2577C>T (NM_015692.2).
Identifiers: ClinVar variation 2649530 (VCV002649530.25), dbSNP rs780616935, ClinGen allele CA9285328.

ClinVar aggregate classification (germline): Likely benign. Review status: criteria provided, single submitter (1 of 4 stars). 2 submissions from 2 submitters: Likely benign (1). 1 of the submissions does not count toward it. Last evaluated 2023-04-01.

Conditions:
CPAMD8-related disorder. Also called: CPAMD8-related condition.

Allele frequency attached by ClinVar (database versions not stated): TOPMed 0.00002; gnomAD 0.00007; ExAC 0.00012.
gnomAD v4.1: 114 of 1,582,442 alleles (0.0072%); highest among the groups gnomAD compares: South Asian, 0.047%; no homozygotes.

Submissions (2):

CeGaT Center for Human Genetics Tuebingen
Classification: Likely benign. Last evaluated: 2023-04-01. Review status: criteria provided, single submitter. Criteria: CeGaT Center For Human Genetics Tuebingen Variant Classification Criteria Version 2. Collection method: clinical testing. Allele origin: germline. Affected: yes. Observed: 1 variant allele.
Comment: CPAMD8: BP4, BP7

PreventionGenetics, part of Exact Sciences
Classification: Likely benign for CPAMD8-related condition. Last evaluated: 2019-03-27. Review status: no assertion criteria provided. Collection method: clinical testing. Allele origin: germline. Not counted in ClinVar's aggregate classification.
Comment: This variant is classified as likely benign based on ACMG/AMP sequence variant interpretation guidelines (Richards et al. 2015 PMID: 25741868, with internal and published modifications).